The following is an entry in ClinVar:

ClinVar aggregate classification (germline): Uncertain significance (1 of 4 stars; one submission).

Conditions:
Kabuki syndrome 2 (KABUK2). Also called: KDM6A-Related Kabuki Syndrome. Identifiers: Orphanet 2322, MedGen C3275495, MONDO:0010465, OMIM 300867.

Submission:

Labcorp Genetics (formerly Invitae), Labcorp
Classification: Uncertain significance for Kabuki syndrome 2. Last evaluated: 2025-12-22. Review status: criteria provided, single submitter. Criteria: Invitae Variant Classification Sherloc (09022015). Collection method: clinical testing. Allele origin: germline.
Comment: This sequence change replaces alanine, which is neutral and non-polar, with serine, which is neutral and polar, at codon 13 of the KDM6A protein (p.Ala13Ser). The frequency data for this variant in the population databases is considered unreliable, as metrics indicate poor data quality at this position in the gnomAD database. This variant has not been reported in the literature in individuals affected with KDM6A-related conditions. Invitae Evidence Modeling of protein sequence and biophysical properties (such as structural, functional, and spatial information, amino acid conservation, physicochemical variation, residue mobility, and thermodynamic stability) indicates that this missense variant is not expected to disrupt KDM6A protein function with a negative predictive value of 80%. In summary, the available evidence is currently insufficient to determine the role of this variant in disease. Therefore, it has been classified as a Variant of Uncertain Significance.

NM_001291415.2(KDM6A):c.37G>T (p.Ala13Ser)

Gene: KDM6A (lysine demethylase 6A; plus strand). Cytogenetic location: Xp11.3.
Variant type: single nucleotide variant.
Coding change: c.37G>T on transcript NM_001291415.2 (MANE Select); coding-DNA position 37, G replaced by T.
Protein change: p.Ala13Ser; replaces alanine 13 with serine.
Molecular consequence: missense variant. On other transcripts: 5 prime UTR variant (1), non-coding transcript variant (1).
Genome position (GRCh38, 1-based): chrX:44,873,588, G>T. VCF-style: chrX-44873588-G-T. GRCh37 (hg19) VCF-style: chrX-44732834-G-T.
Other names: c.37G>T, p.Ala13Ser (NM_001291416.2, NM_001291417.2, NM_001291418.2 and 9 more transcripts); c.-596G>T (NM_001291421.2); short protein forms A13S.
Identifiers: ClinVar variation 4717379 (VCV004717379.1).